The following is an entry in ClinVar:

NM_005219.5(DIAPH1):c.757C>T (p.Pro253Ser)

Gene: DIAPH1 (diaphanous related formin 1; minus strand). Cytogenetic location: 5q31.3.
Variant type: single nucleotide variant.
Coding change: c.757C>T on transcript NM_005219.5 (MANE Select); coding-DNA position 757, C replaced by T.
Protein change: p.Pro253Ser; replaces proline 253 with serine.
Molecular consequence: missense variant.
Genome position (GRCh38, 1-based): chr5:141,580,811, G>A on the plus strand (C>T on the coding strand, the complement: DIAPH1 is on the minus strand). VCF-style: chr5-141580811-G-A. GRCh37 (hg19) VCF-style: chr5-140960378-G-A.
Other names: c.730C>T, p.Pro244Ser (NM_001079812.3); c.757C>T, p.Pro253Ser (NM_001314007.2); short protein forms P244S, P253S.
Identifiers: ClinVar variation 2003254 (VCV002003254.4), dbSNP rs2513764861, ClinGen allele CA361536799.

ClinVar aggregate classification (germline): Uncertain significance (1 of 4 stars; one submission).

Conditions:
Autosomal dominant nonsyndromic hearing loss 1. Also called: DEAFNESS, AUTOSOMAL DOMINANT 1, WITH OR WITHOUT THROMBOCYTOPENIA; KONIGSMARK SYNDROME. Identifiers: Orphanet 90635, MedGen C1852282, MONDO:0007424, OMIM 124900.
Progressive microcephaly-seizures-cortical blindness-developmental delay syndrome. Also called: Seizures, cortical blindness, and microcephaly syndrome. Identifiers: Orphanet 477814, MedGen C5567650, MONDO:0014714, OMIM 616632.

Submission:

Labcorp Genetics (formerly Invitae), Labcorp
Classification: Uncertain significance for Progressive microcephaly-seizures-cortical blindness-developmental delay syndrome; Autosomal dominant nonsyndromic hearing loss 1. Last evaluated: 2022-06-08. Review status: criteria provided, single submitter. Criteria: Invitae Variant Classification Sherloc (09022015). Collection method: clinical testing. Allele origin: germline.
Comment: This variant is not present in population databases (gnomAD no frequency). In summary, the available evidence is currently insufficient to determine the role of this variant in disease. Therefore, it has been classified as a Variant of Uncertain Significance. Algorithms developed to predict the effect of missense changes on protein structure and function are either unavailable or do not agree on the potential impact of this missense change (SIFT: "Deleterious"; PolyPhen-2: "Not Available"; Align-GVGD: "Class C0"). This variant has not been reported in the literature in individuals affected with DIAPH1-related conditions. This sequence change replaces proline, which is neutral and non-polar, with serine, which is neutral and polar, at codon 253 of the DIAPH1 protein (p.Pro253Ser).